The following is an entry in ClinVar:

NC_012920.1(MT-TW):m.5561T>C

Gene: MT-TW (mitochondrially encoded tRNA tryptophan; plus strand).
Variant type: single nucleotide variant.
Genome position: chrM-5561-T-C.
Identifiers: ClinVar variation 441156 (VCV000441156.3), dbSNP rs1556423009, ClinGen allele CA658653720.

ClinVar aggregate classification (germline): Likely benign (1 of 4 stars; one submission).

Conditions:
MELAS syndrome (MELAS). Also called: Juvenile myopathy, encephalopathy, lactic acidosis, stroke. Identifiers: Orphanet 550, MedGen C0162671, MONDO:0010789, OMIM 540000.

Submission:

Wong Mito Lab, Molecular and Human Genetics, Baylor College of Medicine
Classification: Likely benign for MELAS syndrome. Last evaluated: 2019-07-12. Review status: criteria provided, single submitter. Criteria: Modified ACMG Guidelines (Unpublished). Collection method: clinical testing. Allele origin: germline.
Comment: The NC_012920.1:m.5561T>C variant in MT-TW gene is interpreted to be a Likely Benign variant based on the modified ACMG guidelines (unpublished). This variant meets the following evidence codes reported in the guidelines: BS1, BP4, BP6

Literature cited by the submitters: PubMed 31965079 (cited by Wong Mito Lab, Molecular and Human Genetics, Baylor College of Medicine).